The following is an entry in ClinVar:

NM_001099402.2(CCNK):c.280-5T>C

Gene: CCNK (cyclin K; plus strand). Cytogenetic location: 14q32.2.
Variant type: single nucleotide variant.
Coding change: c.280-5T>C on transcript NM_001099402.2 (MANE Select); 5 bases into the intron before coding-DNA position 280, T replaced by C.
Molecular consequence: intron variant.
Genome position (GRCh38, 1-based): chr14:99,495,493, T>C. VCF-style: chr14-99495493-T-C. GRCh37 (hg19) VCF-style: chr14-99961830-T-C.
Identifiers: ClinVar variation 1192628 (VCV001192628.10), dbSNP rs2069492, ClinGen allele CA7340606.

ClinVar aggregate classification (germline): Benign. Review status: criteria provided, multiple submitters, no conflicts (2 of 4 stars). 5 submissions from 5 submitters: Benign (4). 1 of the submissions does not count toward it. Last evaluated 2024-11-27.

Conditions:
CCNK-related disorder. Also called: CCNK-related condition.
Intellectual developmental disorder with hypertelorism and distinctive facies. Identifiers: MedGen C4748381, MONDO:0029143, OMIM 618147.

Allele frequency attached by ClinVar (database versions not stated): 1000 Genomes Project 30x 0.44363; 1000 Genomes Project 0.44728; TOPMed 0.48582; gnomAD 0.49515 and 0.49554; gnomAD exomes 0.50330 and 0.56328; ExAC 0.51134; ESP Exome Variant Server 0.52115.
gnomAD v4.1: 892,139 of 1,603,206 alleles (56%); highest among the groups gnomAD compares: Non-Finnish European, 59%; 252,622 homozygotes.

Submissions (5):

Blueprint Genetics
Classification: Benign. Last evaluated: 2024-11-27. Review status: criteria provided, single submitter. Criteria: ACMG Guidelines, 2015. Collection method: clinical testing. Allele origin: germline.

Genome-Nilou Lab
Classification: Benign for Intellectual developmental disorder with hypertelorism and distinctive facies. Last evaluated: 2021-07-14. Review status: criteria provided, single submitter. Criteria: ACMG Guidelines, 2015. Collection method: clinical testing. Allele origin: germline. Affected: no.

GeneDx
Classification: Benign. Last evaluated: 2020-05-12. Review status: criteria provided, single submitter. Criteria: GeneDx Variant Classification Process June 2021. Collection method: clinical testing. Allele origin: germline. Affected: yes.

Breakthrough Genomics
Classification: Benign. Review status: criteria provided, single submitter. Criteria: ACMG Guidelines, 2015. Collection method: not provided. Allele origin: germline. Inheritance: Autosomal dominant inheritance. Affected: yes.

PreventionGenetics, part of Exact Sciences
Classification: Benign for CCNK-related condition. Last evaluated: 2019-10-17. Review status: no assertion criteria provided. Collection method: clinical testing. Allele origin: germline. Not counted in ClinVar's aggregate classification.
Comment: This variant is classified as benign based on ACMG/AMP sequence variant interpretation guidelines (Richards et al. 2015 PMID: 25741868, with internal and published modifications).